The following is an entry in ClinVar:

NM_001267550.2(TTN):c.14788C>A (p.Pro4930Thr)

Gene: TTN (titin; minus strand). Cytogenetic location: 2q31.2.
Variant type: single nucleotide variant.
Coding change: c.14788C>A on transcript NM_001267550.2 (MANE Select); coding-DNA position 14788, C replaced by A.
Protein change: p.Pro4930Thr; replaces proline 4930 with threonine.
Molecular consequence: missense variant. On other transcripts: intron variant (3).
Genome position (GRCh38, 1-based): chr2:178,735,658, G>T on the plus strand (C>A on the coding strand, the complement: TTN is on the minus strand). VCF-style: chr2-178735658-G-T. GRCh37 (hg19) VCF-style: chr2-179600385-G-T.
Other names: p.P4613T:CCA>ACA; c.13837C>A, p.Pro4613Thr (NM_001256850.1); c.11056C>A, p.Pro3686Thr (NM_133378.4); c.13282+2424C>A (NM_003319.4); c.13858+2424C>A (NM_133437.4); c.13657+2424C>A (NM_133432.3); short protein forms P4613T, P4930T, P3686T.
Identifiers: ClinVar variation 203241 (VCV000203241.32), dbSNP rs201744218, ClinGen allele CA311782.
Genomic context (GRCh38, chr2:178,735,658, plus strand): 5'-CCAAAGGAATCTCAAGTGTTGCTATTTTATCTTCAAAACAGATCTTATAATCTTTCCCTG[G>T]GGGGAGTTTTTGCCCATCTTTGCTCCACGTAACTGTGACTTTTCTGTCTTCATCTACTTG-3'
Protein context (NP_001254479.2, residues 4920-4940): TWSKDGQKLP[Pro4930Thr]GKDYKICFED

ClinVar aggregate classification (germline): Conflicting classifications of pathogenicity. Review status: criteria provided, conflicting classifications (1 of 4 stars). 9 submissions from 9 submitters: Uncertain significance (4); Likely benign (5). Last evaluated 2026-08-04.

Conditions:
TTN-related disorder. Also called: TTN-related condition; TTN-related disease; TTN-related disorders.
Dilated cardiomyopathy 1G (CMD1G). Identifiers: Orphanet 154, MedGen C1858763, MONDO:0011400, OMIM 604145.
Autosomal recessive limb-girdle muscular dystrophy type 2J (LGMDR10). Also called: Limb-girdle muscular dystrophy, type 2J; MUSCULAR DYSTROPHY, LIMB-GIRDLE, AUTOSOMAL RECESSIVE 10. Identifiers: Orphanet 140922, MedGen C1837342, MONDO:0012127, OMIM 608807.

Allele frequency attached by ClinVar (database versions not stated): 1000 Genomes Project 0.00020; 1000 Genomes Project 30x 0.00047; ESP Exome Variant Server 0.00059; TOPMed 0.00065.

Submissions (9):

PreventionGenetics, part of Exact Sciences
Classification: Uncertain significance for TTN-related condition. Last evaluated: 2026-08-04. Review status: criteria provided, single submitter. Criteria: ACMG Guidelines, 2015. Collection method: clinical testing. Allele origin: germline.
Comment: The TTN c.14788C>A variant is predicted to result in the amino acid substitution p.Pro4930Thr. To our knowledge, this variant has not been reported in the literature. This variant is reported in 0.14% of alleles in individuals of African descent in gnomAD, which is likely too common for an undocumented disease-causing variant. Although we suspect that this variant may be benign, at this time, the clinical significance of this variant is uncertain due to the absence of conclusive functional and genetic evidence.

Labcorp Genetics (formerly Invitae), Labcorp
Classification: Likely benign for Dilated cardiomyopathy 1G; Autosomal recessive limb-girdle muscular dystrophy type 2J. Last evaluated: 2026-01-26. Review status: criteria provided, single submitter. Criteria: Invitae Variant Classification Sherloc (09022015). Collection method: clinical testing. Allele origin: germline.

Women's Health and Genetics/Laboratory Corporation of America, LabCorp
Classification: Likely benign. Last evaluated: 2025-06-02. Review status: criteria provided, single submitter. Criteria: LabCorp Variant Classification Summary - May 2015. Collection method: clinical testing. Allele origin: germline.
Comment: Variant summary: TTN c.11056C>A (p.Pro3686Thr) results in a non-conservative amino acid change located in the I-band region of the encoded protein sequence. Algorithms developed to predict the effect of missense changes on protein structure and function are either unavailable or do not agree on the potential impact of this missense change. The variant allele was found at a frequency of 0.0001 in 1606714 control chromosomes, predominantly at a frequency of 0.002 within the African or African-American subpopulation in the gnomAD database (v4.1 dataset). The observed variant frequency within African or African-American control individuals in the gnomAD database is approximately 5-fold of the estimated maximal expected allele frequency for a pathogenic variant in TTN causing Dilated Cardiomyopathy phenotype (0.00039). To our knowledge, no occurrence of c.11056C>A in individuals affected with Dilated Cardiomyopathy and no experimental evidence demonstrating its impact on protein function have been reported. ClinVar contains an entry for this variant (Variation ID: 203241). Based on the evidence outlined above, the variant was classified as likely benign.

Mayo Clinic Laboratories, Mayo Clinic
Classification: Uncertain significance. Last evaluated: 2020-02-04. Review status: criteria provided, single submitter. Criteria: ACMG Guidelines, 2015. Collection method: clinical testing. Allele origin: germline. Observed: 1 variant allele.

ARUP Laboratories, Molecular Genetics and Genomics, ARUP Laboratories
Classification: Uncertain significance. Last evaluated: 2019-08-02. Review status: criteria provided, single submitter. Criteria: ARUP Molecular Germline Variant Investigation Process. Collection method: clinical testing. Allele origin: germline.
Comment: The TTN c.14788C>A, p.(Pro4930Thr) variant (rs201744218; ClinVar Variation ID: 203241) is rare in the general population (<1% allele frequency in the Genome Aggregation Database) and has not been reported in the medical literature in association with dilated cardiomyopathy (DCM) or other TTN-related disease. The clinical relevance of rare missense variants in this gene, which are identified on average once per individual sequenced in affected populations (Herman 2012), is not well understood. Yet, evidence suggests that the vast majority of such missense variants do not contribute to the clinical outcome of DCM (Begay 2015). Thus, the clinical significance of the p.(Pro4930Thr) variant cannot be determined with certainty.

Blueprint Genetics
Classification: Likely benign. Last evaluated: 2019-04-20. Review status: criteria provided, single submitter. Criteria: ACMG Guidelines, 2015. Collection method: clinical testing. Allele origin: germline.

Athena Diagnostics
Classification: Likely benign. Last evaluated: 2018-12-27. Review status: criteria provided, single submitter. Criteria: Athena Diagnostics Criteria. Collection method: clinical testing. Allele origin: germline.

GeneDx
Classification: Likely benign. Last evaluated: 2018-03-01. Review status: criteria provided, single submitter. Criteria: GeneDx Variant Classification (06012015). Collection method: clinical testing. Allele origin: germline. Affected: yes.
Comment: This variant is considered likely benign or benign based on one or more of the following criteria: it is a conservative change, it occurs at a poorly conserved position in the protein, it is predicted to be benign by multiple in silico algorithms, and/or has population frequency not consistent with disease.

Eurofins Ntd Llc (ga)
Classification: Uncertain significance. Last evaluated: 2016-12-28. Review status: criteria provided, single submitter. Criteria: EGL Classification Definitions 2015. Collection method: clinical testing. Allele origin: germline. Observed: 1 variant allele, 1 heterozygote.